The following is an entry in ClinVar:

NM_001457.4(FLNB):c.4894G>A (p.Glu1632Lys)

Gene: FLNB (filamin B; plus strand). Cytogenetic location: 3p14.3.
Variant type: single nucleotide variant.
Coding change: c.4894G>A on transcript NM_001457.4 (MANE Select); coding-DNA position 4894, G replaced by A.
Protein change: p.Glu1632Lys; replaces glutamic acid 1632 with lysine.
Molecular consequence: missense variant.
Genome position (GRCh38, 1-based): chr3:58,138,314, G>A. VCF-style: chr3-58138314-G-A. GRCh37 (hg19) VCF-style: chr3-58124041-G-A.
Other names: c.4894G>A (NM_001457.3); c.4987G>A, p.Glu1663Lys (NM_001164317.2); c.4894G>A, p.Glu1632Lys (NM_001164318.2, NM_001164319.2); short protein forms E1632K, E1663K.
Identifiers: ClinVar variation 1428386 (VCV001428386.9), dbSNP rs768316224, ClinGen allele CA75461425.
Genomic context (GRCh38, chr3:58,138,314, plus strand): 5'-CATTCTCTTCCCCTGAACTCTTCTCCAGGTCCTGGAATCGCCTCCACTGTGAAAACTGGC[G>A]AAGAAGTAGGCTTTGTGGTTGATGCCAAGACTGCCGGGAAGGGTAAAGTGACCTGCACGG-3'
Protein context (NP_001448.2, residues 1622-1642): PGIASTVKTG[Glu1632Lys]EVGFVVDAKT

ClinVar aggregate classification (germline): Uncertain significance. Review status: criteria provided, multiple submitters, no conflicts (2 of 4 stars). 2 submissions from 2 submitters: Uncertain significance (2). Last evaluated 2025-11-17.

Allele frequency attached by ClinVar (database versions not stated): gnomAD exomes 0.00002 and 0.00003.
gnomAD v4.1: 51 of 1,614,058 alleles (0.0032%); highest among the groups gnomAD compares: Admixed American, 0.005%; no homozygotes.

Submissions (2):

Labcorp Genetics (formerly Invitae), Labcorp
Classification: Uncertain significance. Last evaluated: 2025-11-17. Review status: criteria provided, single submitter. Criteria: Invitae Variant Classification Sherloc (09022015). Collection method: clinical testing. Allele origin: germline.
Comment: This sequence change replaces glutamic acid, which is acidic and polar, with lysine, which is basic and polar, at codon 1632 of the FLNB protein (p.Glu1632Lys). This variant is present in population databases (rs768316224, gnomAD 0.004%). This missense change has been observed in individual(s) with clubfoot (PMID: 34491919). ClinVar contains an entry for this variant (Variation ID: 1428386). Invitae Evidence Modeling of protein sequence and biophysical properties (such as structural, functional, and spatial information, amino acid conservation, physicochemical variation, residue mobility, and thermodynamic stability) indicates that this missense variant is not expected to disrupt FLNB protein function with a negative predictive value of 95%. In summary, the available evidence is currently insufficient to determine the role of this variant in disease. Therefore, it has been classified as a Variant of Uncertain Significance.

GeneDx
Classification: Uncertain significance. Last evaluated: 2024-12-27. Review status: criteria provided, single submitter. Criteria: GeneDx Variant Classification Process June 2021. Collection method: clinical testing. Allele origin: germline. Affected: yes.
Comment: In silico analysis supports that this missense variant has a deleterious effect on protein structure/function; Reported in an individual with isolated clubfoot (PMID: 34491919); This variant is associated with the following publications: (PMID: 34491919)

Literature cited by the submitters: PubMed 34491919 (cited by Labcorp Genetics (formerly Invitae), Labcorp).